The following is an entry in ClinVar:

ClinVar aggregate classification (germline): Uncertain significance (1 of 4 stars; one submission).

Conditions:
Ataxia-telangiectasia-like disorder (ATLD). Identifiers: MedGen C1858391, MONDO:0011457.

Allele frequency attached by ClinVar (database versions not stated): gnomAD 0.00001.
gnomAD v4.1: 4 of 1,607,508 alleles (0.00025%); highest among the groups gnomAD compares: Non-Finnish European, 0.00034%; no homozygotes.

Submission:

Labcorp Genetics (formerly Invitae), Labcorp
Classification: Uncertain significance for Ataxia-telangiectasia-like disorder. Last evaluated: 2021-08-27. Review status: criteria provided, single submitter. Criteria: Invitae Variant Classification Sherloc (09022015). Collection method: clinical testing. Allele origin: germline.
Comment: This sequence change falls in intron 13 of the MRE11 gene. It does not directly change the encoded amino acid sequence of the MRE11 protein. This variant is not present in population databases (ExAC no frequency). This variant has not been reported in the literature in individuals affected with MRE11-related conditions. Algorithms developed to predict the effect of sequence changes on RNA splicing suggest that this variant may disrupt the consensus splice site. In summary, the available evidence is currently insufficient to determine the role of this variant in disease. Therefore, it has been classified as a Variant of Uncertain Significance.

NM_005591.4(MRE11):c.1501-8T>G

Gene: MRE11 (MRE11 homolog, double strand break repair nuclease; minus strand). Cytogenetic location: 11q21.
Variant type: single nucleotide variant.
Coding change: c.1501-8T>G on transcript NM_005591.4 (MANE Select); 8 bases into the intron before coding-DNA position 1501, T replaced by G.
Molecular consequence: intron variant.
Genome position (GRCh38, 1-based): chr11:94,456,346, A>C on the plus strand (T>G on the coding strand, the complement: MRE11 is on the minus strand). VCF-style: chr11-94456346-A-C. GRCh37 (hg19) VCF-style: chr11-94189512-A-C.
Other names: c.1501-8T>G (NM_001330347.2, NM_005590.4).
Identifiers: ClinVar variation 466431 (VCV000466431.7), dbSNP rs753131403, ClinGen allele CA600840053.
Genomic context (GRCh38, chr11:94,456,346, plus strand): 5'-TCATCATCTTCTTCATTAGTATTTTTTTGTCTGGTTTCTCTGAAACGACGTACCTAGATC[A>C]TAACAGAGTAAATCACAAACATGTTGCCTATTCCAGTTATGTAAATATAAAACAAGGGGC-3'